The following is an entry in ClinVar:

NM_138387.4(G6PC3):c.187A>G (p.Ile63Val)

Genes: G6PC3 (glucose-6-phosphatase catalytic subunit 3; plus strand), LOC130060959 (ATAC-STARR-seq lymphoblastoid active region 12250; plus strand). Cytogenetic location: 17q21.31.
Variant type: single nucleotide variant.
Coding change: c.187A>G on transcript NM_138387.4 (MANE Select); coding-DNA position 187, A replaced by G.
Protein change: p.Ile63Val; replaces isoleucine 63 with valine.
Molecular consequence: missense variant. On other transcripts: 5 prime UTR variant (3), intron variant (1).
Genome position (GRCh38, 1-based): chr17:44,071,152, A>G. VCF-style: chr17-44071152-A-G. GRCh37 (hg19) VCF-style: chr17-42148520-A-G.
Other names: c.187A>G, p.Ile63Val (NM_001319945.2); c.-218A>G (NM_001384165.1); c.-353A>G (NM_001384166.1); c.-343A>G (NM_001384167.1); c.-312+438A>G (NM_001384168.1); short protein forms I63V.
Identifiers: ClinVar variation 323460 (VCV000323460.7), dbSNP rs34878178, ClinGen allele CA8595899.

ClinVar aggregate classification (germline): Uncertain significance. Review status: criteria provided, multiple submitters, no conflicts (2 of 4 stars). 3 submissions from 3 submitters: Uncertain significance (3). Last evaluated 2025-06-06.

Conditions:
Inborn genetic diseases. Identifiers: MedGen C0950123, MeSH D030342.
Autosomal recessive severe congenital neutropenia due to G6PC3 deficiency. Also called: NEUTROPENIA, SEVERE CONGENITAL, 4, AUTOSOMAL RECESSIVE; G6PC3 Deficiency. Identifiers: Orphanet 331176, MedGen C2751630, MONDO:0012930, OMIM 612541.

Allele frequency attached by ClinVar (database versions not stated): gnomAD exomes 0.00001; 1000 Genomes Project 30x 0.00016.
gnomAD v4.1: 10 of 1,609,676 alleles (0.00062%); highest among the groups gnomAD compares: South Asian, 0.011%; no homozygotes.

Submissions (3):

Ambry Genetics
Classification: Uncertain significance for Inborn genetic diseases. Last evaluated: 2025-06-06. Review status: criteria provided, single submitter. Criteria: Ambry Variant Classification Scheme 2023. Collection method: clinical testing. Allele origin: germline.
Comment: The p.I63V variant (also known as c.187A>G), located in coding exon 1 of the G6PC3 gene, results from an A to G substitution at nucleotide position 187. The isoleucine at codon 63 is replaced by valine, an amino acid with highly similar properties. This amino acid position is conserved. In addition, this alteration is predicted to be tolerated by in silico analysis. Based on the available evidence, the clinical significance of this variant remains unclear.

Labcorp Genetics (formerly Invitae), Labcorp
Classification: Uncertain significance for Autosomal recessive severe congenital neutropenia due to G6PC3 deficiency. Last evaluated: 2024-12-16. Review status: criteria provided, single submitter. Criteria: Invitae Variant Classification Sherloc (09022015). Collection method: clinical testing. Allele origin: germline.
Comment: This sequence change replaces isoleucine, which is neutral and non-polar, with valine, which is neutral and non-polar, at codon 63 of the G6PC3 protein (p.Ile63Val). This variant is present in population databases (rs34878178, gnomAD 0.01%). This variant has not been reported in the literature in individuals affected with G6PC3-related conditions. ClinVar contains an entry for this variant (Variation ID: 323460). Invitae Evidence Modeling of protein sequence and biophysical properties (such as structural, functional, and spatial information, amino acid conservation, physicochemical variation, residue mobility, and thermodynamic stability) indicates that this missense variant is not expected to disrupt G6PC3 protein function with a negative predictive value of 95%. In summary, the available evidence is currently insufficient to determine the role of this variant in disease. Therefore, it has been classified as a Variant of Uncertain Significance.

Illumina Laboratory Services, Illumina
Classification: Uncertain significance for Autosomal recessive severe congenital neutropenia due to G6PC3 deficiency. Last evaluated: 2018-01-12. Review status: criteria provided, single submitter. Criteria: ICSL Variant Classification Criteria 13 December 2019. Collection method: clinical testing. Allele origin: germline.